The following is an entry in ClinVar:

ClinVar aggregate classification (germline): Uncertain significance (1 of 4 stars; one submission).

Conditions:
Rubinstein-Taybi syndrome due to EP300 haploinsufficiency. Also called: EP300-Related Rubinstein-Taybi Syndrome; RUBINSTEIN-TAYBI SYNDROME 2. Identifiers: Orphanet 353284, Orphanet 783, MedGen C3150941, MONDO:0013364, OMIM 613684.

Submission:

Labcorp Genetics (formerly Invitae), Labcorp
Classification: Uncertain significance for Rubinstein-Taybi syndrome due to EP300 haploinsufficiency. Last evaluated: 2025-02-27. Review status: criteria provided, single submitter. Criteria: Invitae Variant Classification Sherloc (09022015). Collection method: clinical testing. Allele origin: germline.
Comment: This sequence change replaces alanine, which is neutral and non-polar, with serine, which is neutral and polar, at codon 744 of the EP300 protein (p.Ala744Ser). This variant is not present in population databases (gnomAD no frequency). This variant has not been reported in the literature in individuals affected with EP300-related conditions. Invitae Evidence Modeling of protein sequence and biophysical properties (such as structural, functional, and spatial information, amino acid conservation, physicochemical variation, residue mobility, and thermodynamic stability) indicates that this missense variant is not expected to disrupt EP300 protein function with a negative predictive value of 80%. In summary, the available evidence is currently insufficient to determine the role of this variant in disease. Therefore, it has been classified as a Variant of Uncertain Significance.

NM_001429.4(EP300):c.2230G>T (p.Ala744Ser)

Gene: EP300 (EP300 lysine acetyltransferase; plus strand). Cytogenetic location: 22q13.2.
Variant type: single nucleotide variant.
Coding change: c.2230G>T on transcript NM_001429.4 (MANE Select); coding-DNA position 2230, G replaced by T.
Protein change: p.Ala744Ser; replaces alanine 744 with serine.
Molecular consequence: missense variant.
Genome position (GRCh38, 1-based): chr22:41,147,935, G>T. VCF-style: chr22-41147935-G-T. GRCh37 (hg19) VCF-style: chr22-41543939-G-T.
Other names: c.2152G>T, p.Ala718Ser (NM_001362843.2); short protein forms A718S, A744S.
Identifiers: ClinVar variation 4720846 (VCV004720846.1).